The following is an entry in ClinVar:

NM_012186.3(FOXE3):c.472G>C (p.Gly158Arg)

Genes: FOXE3 (forkhead box E3; plus strand), LINC01389 (long independently transcribed non-coding RNA 1389; minus strand). Cytogenetic location: 1p33.
Variant type: single nucleotide variant.
Coding change: c.472G>C on transcript NM_012186.3 (MANE Select); coding-DNA position 472, G replaced by C.
Protein change: p.Gly158Arg; replaces glycine 158 with arginine.
Molecular consequence: missense variant.
Genome position (GRCh38, 1-based): chr1:47,416,787, G>C. VCF-style: chr1-47416787-G-C. GRCh37 (hg19) VCF-style: chr1-47882459-G-C.
Other names: short protein forms G158R.
Identifiers: ClinVar variation 4783515 (VCV004783515.1).

ClinVar aggregate classification (germline): Pathogenic (1 of 4 stars; one submission).

Conditions:
Anterior segment dysgenesis. Also called: Ocular anterior segment dysgenesis. Identifiers: Orphanet 88632, MedGen C1862839, MONDO:0019503, HP:0007700.
Congenital primary aphakia. Also called: Anterior segment dysgenesis 2, multiple subtypes; ANTERIOR SEGMENT DYSGENESIS 2. Identifiers: Orphanet 83461, MedGen C1853230, MONDO:0012456, OMIM 610256.

Submission:

Labcorp Genetics (formerly Invitae), Labcorp
Classification: Pathogenic for Anterior segment dysgenesis; Congenital primary aphakia. Last evaluated: 2025-09-15. Review status: criteria provided, single submitter. Criteria: Invitae Variant Classification Sherloc (09022015). Collection method: clinical testing. Allele origin: germline.
Comment: This sequence change replaces glycine, which is neutral and non-polar, with arginine, which is basic and polar, at codon 158 of the FOXE3 protein (p.Gly158Arg). This variant is present in population databases (no rsID available, gnomAD 0.01%). This missense change has been observed in individual(s) with autosomal recessive FOXE3-related conditions (PMID: 27669367, 29136273). In at least one individual the data is consistent with being in trans (on the opposite chromosome) from a pathogenic variant. Invitae Evidence Modeling of protein sequence and biophysical properties (such as structural, functional, and spatial information, amino acid conservation, physicochemical variation, residue mobility, and thermodynamic stability) indicates that this missense variant is expected to disrupt FOXE3 protein function with a positive predictive value of 95%. For these reasons, this variant has been classified as Pathogenic.

Literature cited by the submitters: PubMed 27669367; PubMed 29136273.